The following is an entry in ClinVar:

ClinVar aggregate classification (germline): Benign/Likely benign. Review status: criteria provided, multiple submitters, no conflicts (2 of 4 stars). 6 submissions from 6 submitters: Benign (1); Likely benign (5). Last evaluated 2025-03-20.

Conditions:
Hereditary cancer-predisposing syndrome. Also called: Tumor predisposition; Hereditary Cancer Syndrome; Hereditary neoplastic syndrome; Neoplastic Syndromes, Hereditary. Identifiers: Orphanet 140162, MedGen C0027672, MeSH D009386, MONDO:0015356.
Familial cancer of breast. Also called: BREAST CANCER, FAMILIAL; Hereditary breast cancer; hereditary breast carcinoma. Identifiers: Orphanet 227535, MedGen C0346153, MONDO:0016419, OMIM 114480. Disease mechanism: loss of function.

Allele frequency attached by ClinVar (database versions not stated): gnomAD exomes below 0.00001; ExAC 0.00001; TOPMed 0.00002; gnomAD 0.00003.
gnomAD v4.1: 7 of 1,595,950 alleles (0.00044%); highest among the groups gnomAD compares: African/African-American, 0.008%; no homozygotes.

Submissions (6):

Labcorp Genetics (formerly Invitae), Labcorp
Classification: Likely benign for Familial cancer of breast. Last evaluated: 2025-03-20. Review status: criteria provided, single submitter. Criteria: Invitae Variant Classification Sherloc (09022015). Collection method: clinical testing. Allele origin: germline.

Myriad Genetics, Inc.
Classification: Benign for Familial cancer of breast. Last evaluated: 2024-10-08. Review status: criteria provided, single submitter. Criteria: Myriad Autosomal Dominant, Autosomal Recessive and X-Linked Classification Criteria (2023). Collection method: clinical testing. Allele origin: unknown.
Comment: This variant is considered benign. This variant is a silent/synonymous amino acid change and it is not expected to impact splicing.

Women's Health and Genetics/Laboratory Corporation of America, LabCorp
Classification: Likely benign. Last evaluated: 2022-09-29. Review status: criteria provided, single submitter. Criteria: LabCorp Variant Classification Summary - May 2015. Collection method: clinical testing. Allele origin: germline.

Color Diagnostics, LLC DBA Color Health
Classification: Likely benign for Hereditary cancer-predisposing syndrome. Last evaluated: 2016-12-13. Review status: criteria provided, single submitter. Criteria: ACMG Guidelines, 2015. Collection method: clinical testing. Allele origin: germline.

GeneDx
Classification: Likely benign. Last evaluated: 2016-11-16. Review status: criteria provided, single submitter. Criteria: GeneDx Variant Classification (06012015). Collection method: clinical testing. Allele origin: germline. Affected: yes.
Comment: This variant is considered likely benign or benign based on one or more of the following criteria: it is a conservative change, it occurs at a poorly conserved position in the protein, it is predicted to be benign by multiple in silico algorithms, and/or has population frequency not consistent with disease.

Ambry Genetics
Classification: Likely benign for Hereditary cancer-predisposing syndrome. Last evaluated: 2016-05-21. Review status: criteria provided, single submitter. Criteria: Ambry Variant Classification Scheme 2023. Collection method: clinical testing. Allele origin: germline.

NM_007194.4(CHEK2):c.1563G>A (p.Arg521=)

Gene: CHEK2 (checkpoint kinase 2; minus strand). Cytogenetic location: 22q12.1.
Variant type: single nucleotide variant.
Coding change: c.1563G>A on transcript NM_007194.4 (MANE Select); coding-DNA position 1563, G replaced by A.
Protein change: p.Arg521=; no amino-acid change (arginine 521 retained).
Molecular consequence: synonymous variant.
Genome position (GRCh38, 1-based): chr22:28,687,966, C>T on the plus strand (G>A on the coding strand, the complement: CHEK2 is on the minus strand). VCF-style: chr22-28687966-C-T. GRCh37 (hg19) VCF-style: chr22-29083954-C-T.
Other names: c.1692G>A, p.Arg564= (NM_001005735.3); c.900G>A, p.Arg300= (NM_001257387.3); c.1362G>A, p.Arg454= (NM_001349956.3); c.1476G>A, p.Arg492= (NM_145862.3).
Identifiers: ClinVar variation 184073 (VCV000184073.21), dbSNP rs761278013, ClinGen allele CA187701.